The following is an entry in ClinVar:

NM_002772.3(TMPRSS15):c.2128C>T (p.Gln710Ter)

Gene: TMPRSS15 (transmembrane serine protease 15; minus strand). Cytogenetic location: 21q21.1.
Variant type: single nucleotide variant.
Coding change: c.2128C>T on transcript NM_002772.3 (MANE Select); coding-DNA position 2128, C replaced by T.
Protein change: p.Gln710Ter; replaces glutamine 710 with a stop codon.
Molecular consequence: nonsense.
Genome position (GRCh38, 1-based): chr21:18,312,982, G>A on the plus strand (C>T on the coding strand, the complement: TMPRSS15 is on the minus strand). VCF-style: chr21-18312982-G-A. GRCh37 (hg19) VCF-style: chr21-19685299-G-A.
Other names: short protein forms Q710*.
Identifiers: ClinVar variation 2798112 (VCV002798112.3), dbSNP rs2516611123, ClinGen allele CA409849016.
Genomic context (GRCh38, chr21:18,312,982, plus strand): 5'-AGGAACTCAGTAGAATTACTTACCCTAGTCCCAGCAGTTGACAAACATCATTTGAAATCT[G>A]GGTGGTCCAGTTCTCAGCACAAGCTGTATGCCATATGCTCTGGATTCTGAACCGCACTAA-3'

ClinVar aggregate classification (germline): Pathogenic (1 of 4 stars; one submission).

gnomAD v4.1: 1 of 1,613,818 alleles (0.000062%); highest among the groups gnomAD compares: Non-Finnish European, 0.000085%; no homozygotes.

Submission:

Labcorp Genetics (formerly Invitae), Labcorp
Classification: Pathogenic. Last evaluated: 2024-01-03. Review status: criteria provided, single submitter. Criteria: Invitae Variant Classification Sherloc (09022015). Collection method: clinical testing. Allele origin: germline.
Comment: This sequence change creates a premature translational stop signal (p.Gln710*) in the TMPRSS15 gene. It is expected to result in an absent or disrupted protein product. Loss-of-function variants in TMPRSS15 are known to be pathogenic (PMID: 11719902). This variant is not present in population databases (gnomAD no frequency). This variant has not been reported in the literature in individuals affected with TMPRSS15-related conditions. For these reasons, this variant has been classified as Pathogenic.

Literature cited by the submitters: PubMed 11719902.